The following is an entry in ClinVar:

NM_000234.3(LIG1):c.370+6A>G

Gene: LIG1 (DNA ligase 1; minus strand). Cytogenetic location: 19q13.33.
Variant type: single nucleotide variant.
Coding change: c.370+6A>G on transcript NM_000234.3 (MANE Select); 6 bases into the intron after coding-DNA position 370, A replaced by G.
Molecular consequence: intron variant.
Genome position (GRCh38, 1-based): chr19:48,157,008, T>C on the plus strand (A>G on the coding strand, the complement: LIG1 is on the minus strand). VCF-style: chr19-48157008-T-C. GRCh37 (hg19) VCF-style: chr19-48660265-T-C.
Other names: c.280+6A>G (NM_001289063.2, NM_001320971.2); c.370+6A>G (NM_001289064.2, NM_001320970.2).
Identifiers: ClinVar variation 2085673 (VCV002085673.4), dbSNP rs2514301332, ClinGen allele CA2580097464.

ClinVar aggregate classification (germline): Uncertain significance (1 of 4 stars; one submission).

Submission:

Labcorp Genetics (formerly Invitae), Labcorp
Classification: Uncertain significance. Last evaluated: 2022-07-19. Review status: criteria provided, single submitter. Criteria: Invitae Variant Classification Sherloc (09022015). Collection method: clinical testing. Allele origin: germline.
Comment: In summary, the available evidence is currently insufficient to determine the role of this variant in disease. Therefore, it has been classified as a Variant of Uncertain Significance. Variants that disrupt the consensus splice site are a relatively common cause of aberrant splicing (PMID: 17576681, 9536098). Algorithms developed to predict the effect of sequence changes on RNA splicing suggest that this variant is not likely to affect RNA splicing. This variant has not been reported in the literature in individuals affected with LIG1-related conditions. This variant is not present in population databases (gnomAD no frequency). This sequence change falls in intron 5 of the LIG1 gene. It does not directly change the encoded amino acid sequence of the LIG1 protein. It affects a nucleotide within the consensus splice site.

Literature cited by the submitters: PubMed 17576681; PubMed 9536098.